The following is an entry in ClinVar:

ClinVar aggregate classification (germline): Uncertain significance. Review status: criteria provided, multiple submitters, no conflicts (2 of 4 stars). 2 submissions from 2 submitters: Uncertain significance (2). Last evaluated 2023-04-24.

Conditions:
Inborn genetic diseases. Identifiers: MedGen C0950123, MeSH D030342.

Allele frequency attached by ClinVar (database versions not stated): TOPMed below 0.00001; gnomAD 0.00001; gnomAD exomes 0.00001.
gnomAD v4.1: 7 of 1,602,722 alleles (0.00044%); highest among the groups gnomAD compares: Admixed American, 0.012%; no homozygotes.

Submissions (2):

Labcorp Genetics (formerly Invitae), Labcorp
Classification: Uncertain significance. Last evaluated: 2023-04-24. Review status: criteria provided, single submitter. Criteria: Invitae Variant Classification Sherloc (09022015). Collection method: clinical testing. Allele origin: germline.
Comment: This sequence change replaces isoleucine, which is neutral and non-polar, with threonine, which is neutral and polar, at codon 168 of the ARPC1B protein (p.Ile168Thr). This variant is present in population databases (no rsID available, gnomAD 0.009%). This variant has not been reported in the literature in individuals affected with ARPC1B-related conditions. ClinVar contains an entry for this variant (Variation ID: 1491294). An algorithm developed to predict the effect of missense changes on protein structure and function (PolyPhen-2) suggests that this variant is likely to be disruptive. In summary, the available evidence is currently insufficient to determine the role of this variant in disease. Therefore, it has been classified as a Variant of Uncertain Significance.

Ambry Genetics
Classification: Uncertain significance for Inborn genetic diseases. Last evaluated: 2022-08-26. Review status: criteria provided, single submitter. Criteria: Ambry Variant Classification Scheme 2023. Collection method: clinical testing. Allele origin: germline.

NM_005720.4(ARPC1B):c.503T>C (p.Ile168Thr)

Gene: ARPC1B (actin related protein 2/3 complex subunit 1B; plus strand). Cytogenetic location: 7q22.1.
Variant type: single nucleotide variant.
Coding change: c.503T>C on transcript NM_005720.4 (MANE Select); coding-DNA position 503, T replaced by C.
Protein change: p.Ile168Thr; replaces isoleucine 168 with threonine.
Molecular consequence: missense variant.
Genome position (GRCh38, 1-based): chr7:99,390,895, T>C. VCF-style: chr7-99390895-T-C. GRCh37 (hg19) VCF-style: chr7-98988518-T-C.
Other names: c.503T>C (NM_005720.3); short protein forms I168T.
Identifiers: ClinVar variation 1491294 (VCV001491294.9), dbSNP rs1299876206, ClinGen allele CA368322452.